The following is an entry in ClinVar:

NM_004104.5(FASN):c.2593G>A (p.Asp865Asn)

Gene: FASN (fatty acid synthase; minus strand). Cytogenetic location: 17q25.3.
Variant type: single nucleotide variant.
Coding change: c.2593G>A on transcript NM_004104.5 (MANE Select); coding-DNA position 2593, G replaced by A.
Protein change: p.Asp865Asn; replaces aspartic acid 865 with asparagine.
Molecular consequence: missense variant.
Genome position (GRCh38, 1-based): chr17:82,088,390, C>T on the plus strand (G>A on the coding strand, the complement: FASN is on the minus strand). VCF-style: chr17-82088390-C-T. GRCh37 (hg19) VCF-style: chr17-80046266-C-T.
Other names: short protein forms D865N.
Identifiers: ClinVar variation 462025 (VCV000462025.11), dbSNP rs199546508, ClinGen allele CA8852738.

ClinVar aggregate classification (germline): Uncertain significance (1 of 4 stars; one submission).

Conditions:
Epileptic encephalopathy. Identifiers: MedGen C0543888, HP:0200134.

Allele frequency attached by ClinVar (database versions not stated): TOPMed 0.00003; gnomAD 0.00004 and 0.00005; gnomAD exomes 0.00005 and 0.00006; ExAC 0.00006; ESP Exome Variant Server 0.00008; 1000 Genomes Project 0.00040; 1000 Genomes Project 30x 0.00047.
gnomAD v4.1: 74 of 1,612,178 alleles (0.0046%); highest among the groups gnomAD compares: Admixed American, 0.013%; no homozygotes.

Submissions (2):

Labcorp Genetics (formerly Invitae), Labcorp
Classification: Uncertain significance for Epileptic encephalopathy. Last evaluated: 2024-07-11. Review status: criteria provided, single submitter. Criteria: Invitae Variant Classification Sherloc (09022015). Collection method: clinical testing. Allele origin: germline.
Comment: This sequence change replaces aspartic acid, which is acidic and polar, with asparagine, which is neutral and polar, at codon 865 of the FASN protein (p.Asp865Asn). This variant also falls at the last nucleotide of exon 16, which is part of the consensus splice site for this exon. This variant is present in population databases (rs199546508, gnomAD 0.02%). This variant has not been reported in the literature in individuals affected with FASN-related conditions. ClinVar contains an entry for this variant (Variation ID: 462025). An algorithm developed to predict the effect of missense changes on protein structure and function (PolyPhen-2) suggests that this variant is likely to be disruptive. Variants that disrupt the consensus splice site are a relatively common cause of aberrant splicing (PMID: 17576681, 9536098). In summary, the available evidence is currently insufficient to determine the role of this variant in disease. Therefore, it has been classified as a Variant of Uncertain Significance.

Dr. Peter K. Rogan Lab, Western University
No classification provided (evidence only). Condition: Ovarian serous cystadenocarcinoma. Review status: no classification provided. Collection method: in vitro. Allele origin: not applicable. Functional consequence: retained intron. Not counted in ClinVar's aggregate classification.

Literature cited by the submitters: PubMed 17576681 (cited by Labcorp Genetics (formerly Invitae), Labcorp); PubMed 9536098 (cited by Labcorp Genetics (formerly Invitae), Labcorp).